The following is an entry in ClinVar:

ClinVar aggregate classification (germline): Benign/Likely benign. Review status: criteria provided, multiple submitters, no conflicts (2 of 4 stars). 3 submissions from 3 submitters: Benign (1); Likely benign (2). Last evaluated 2024-10-29.

Conditions:
Hereditary cancer-predisposing syndrome. Also called: Neoplastic Syndromes, Hereditary; Tumor predisposition; Hereditary Cancer Syndrome; Hereditary neoplastic syndrome. Identifiers: Orphanet 140162, MedGen C0027672, MeSH D009386, MONDO:0015356.
BAP1-related tumor predisposition syndrome (TPDS1). Also called: COMMON Syndrome; TUMOR PREDISPOSITION SYNDROME 1; Tumor susceptibility linked to germline BAP1 mutations; BAP1 tumor predisposition syndrome. Identifiers: Orphanet 289539, MedGen C3280492, MONDO:0013692, OMIM 614327.

Allele frequency attached by ClinVar (database versions not stated): gnomAD 0.00001.
gnomAD v4.1: 1 of 1,614,078 alleles (0.000062%); highest among the groups gnomAD compares: Non-Finnish European, 0.000085%; no homozygotes.

Submissions (3):

Labcorp Genetics (formerly Invitae), Labcorp
Classification: Likely benign for BAP1-related tumor predisposition syndrome. Last evaluated: 2024-10-29. Review status: criteria provided, single submitter. Criteria: Invitae Variant Classification Sherloc (09022015). Collection method: clinical testing. Allele origin: germline.

Myriad Genetics, Inc.
Classification: Benign for BAP1-related tumor predisposition syndrome. Last evaluated: 2024-07-16. Review status: criteria provided, single submitter. Criteria: Myriad Autosomal Dominant, Autosomal Recessive and X-Linked Classification Criteria (2023). Collection method: clinical testing. Allele origin: unknown.
Comment: This variant is considered benign. This variant is a silent/synonymous amino acid change and it is not expected to impact splicing.

Ambry Genetics
Classification: Likely benign for Hereditary cancer-predisposing syndrome. Last evaluated: 2021-04-21. Review status: criteria provided, single submitter. Criteria: Ambry Variant Classification Scheme 2023. Collection method: clinical testing. Allele origin: germline.

NM_004656.4(BAP1):c.1236C>T (p.Thr412=)

Gene: BAP1 (BRCA1 associated deubiquitinase 1; minus strand). Cytogenetic location: 3p21.1.
Variant type: single nucleotide variant.
Coding change: c.1236C>T on transcript NM_004656.4 (MANE Select); coding-DNA position 1236, C replaced by T.
Protein change: p.Thr412=; no amino-acid change (threonine 412 retained).
Molecular consequence: synonymous variant.
Genome position (GRCh38, 1-based): chr3:52,404,467, G>A on the plus strand (C>T on the coding strand, the complement: BAP1 is on the minus strand). VCF-style: chr3-52404467-G-A. GRCh37 (hg19) VCF-style: chr3-52438483-G-A.
Other names: c.1182C>T, p.Thr394= (NM_001410772.1).
Identifiers: ClinVar variation 1756930 (VCV001756930.8), dbSNP rs1705080492, ClinGen allele CA433773895.